The following is an entry in ClinVar:

NM_024753.5(TTC21B):c.441G>A (p.Leu147=)

Genes: TTC21B (tetratricopeptide repeat domain 21B; minus strand), TTC21B-AS1 (TTC21B antisense RNA 1; plus strand). Cytogenetic location: 2q24.3.
Variant type: single nucleotide variant.
Coding change: c.441G>A on transcript NM_024753.5 (MANE Select); coding-DNA position 441, G replaced by A.
Protein change: p.Leu147=; no amino-acid change (leucine 147 retained).
Molecular consequence: synonymous variant.
Genome position (GRCh38, 1-based): chr2:165,943,330, C>T on the plus strand (G>A on the coding strand, the complement: TTC21B is on the minus strand). VCF-style: chr2-165943330-C-T. GRCh37 (hg19) VCF-style: chr2-166799840-C-T.
Identifiers: ClinVar variation 704673 (VCV000704673.13), dbSNP rs147696806, ClinGen allele CA1942432.

ClinVar aggregate classification (germline): Likely benign. Review status: criteria provided, multiple submitters, no conflicts (2 of 4 stars). 5 submissions from 5 submitters: Likely benign (5). Last evaluated 2026-01-06.

Conditions:
Nephronophthisis. Also called: Juvenile Nephronophthisis. Identifiers: Orphanet 655, MedGen C0687120, MONDO:0019005, HP:0000090.
Jeune thoracic dystrophy. Also called: Jeune syndrome; Infantile thoracic dystrophy; Thoracic pelvic phalangeal dystrophy; Jeune's syndrome; Chondroectodermal dysplasia-like syndrome; Short-rib thoracic dysplasia. Identifiers: Orphanet 474, MedGen C0265275, MONDO:0018770.
TTC21B-related disorder. Also called: TTC21B-related condition; TTC21B-related disorders.
Asphyxiating thoracic dystrophy 4 (SRTD4). Also called: SHORT-RIB THORACIC DYSPLASIA 4 WITH OR WITHOUT POLYDACTYLY; SHORT-RIB THORACIC DYSPLASIA 4. Identifiers: Orphanet 474, MedGen C3151185, MONDO:0013441, OMIM 613819.
Nephronophthisis 12 (NPHP12). Identifiers: Orphanet 655, MedGen C3151186, MONDO:0013442, OMIM 613820.

Allele frequency attached by ClinVar (database versions not stated): gnomAD exomes 0.00003 and 0.00001; ExAC 0.00005; ESP Exome Variant Server 0.00008; gnomAD 0.00011 and 0.00013; TOPMed 0.00014.
gnomAD v4.1: 30 of 1,606,992 alleles (0.0019%); highest among the groups gnomAD compares: African/African-American, 0.037%; no homozygotes.

Submissions (5):

Labcorp Genetics (formerly Invitae), Labcorp
Classification: Likely benign for Jeune thoracic dystrophy; Nephronophthisis. Last evaluated: 2026-01-06. Review status: criteria provided, single submitter. Criteria: Invitae Variant Classification Sherloc (09022015). Collection method: clinical testing. Allele origin: germline.

PreventionGenetics, part of Exact Sciences
Classification: Likely benign for TTC21B-related condition. Last evaluated: 2025-02-19. Review status: criteria provided, single submitter. Criteria: ACMG Guidelines, 2015. Collection method: clinical testing. Allele origin: germline.
Comment: This variant is classified as likely benign based on ACMG/AMP sequence variant interpretation guidelines (Richards et al. 2015 PMID: 25741868, with internal and published modifications).

Blueprint Genetics
Classification: Likely benign. Last evaluated: 2022-09-28. Review status: criteria provided, single submitter. Criteria: ACMG Guidelines, 2015. Collection method: clinical testing. Allele origin: germline.

Fulgent Genetics
Classification: Likely benign for Asphyxiating thoracic dystrophy 4; Nephronophthisis 12. Last evaluated: 2022-05-18. Review status: criteria provided, single submitter. Criteria: ACMG Guidelines, 2015. Collection method: clinical testing. Allele origin: unknown.

Breakthrough Genomics
Classification: Likely benign. Review status: criteria provided, single submitter. Criteria: ACMG Guidelines, 2015. Collection method: not provided. Allele origin: germline. Inheritance: Autosomal recessive inheritance. Affected: yes.